The following is an entry in ClinVar:

NM_058216.3(RAD51C):c.417A>G (p.Ala139=)

Gene: RAD51C (RAD51 paralog C; plus strand). Cytogenetic location: 17q22.
Variant type: single nucleotide variant.
Coding change: c.417A>G on transcript NM_058216.3 (MANE Select); coding-DNA position 417, A replaced by G.
Protein change: p.Ala139=; no amino-acid change (alanine 139 retained).
Molecular consequence: synonymous variant.
Genome position (GRCh38, 1-based): chr17:58,696,705, A>G. VCF-style: chr17-58696705-A-G. GRCh37 (hg19) VCF-style: chr17-56774066-A-G.
Other names: c.417A>G (LRG_314t1).
Identifiers: ClinVar variation 215957 (VCV000215957.12), dbSNP rs863224436, ClinGen allele CA339403.

ClinVar aggregate classification (germline): Benign/Likely benign. Review status: criteria provided, multiple submitters, no conflicts (2 of 4 stars). 3 submissions from 3 submitters: Benign (1); Likely benign (2). Last evaluated 2025-02-18.

Conditions:
Hereditary cancer-predisposing syndrome. Also called: Tumor predisposition; Hereditary Cancer Syndrome; Neoplastic Syndromes, Hereditary; Hereditary neoplastic syndrome. Identifiers: Orphanet 140162, MedGen C0027672, MeSH D009386, MONDO:0015356.
Fanconi anemia complementation group O. Also called: RAD51C-Related Fanconi Anemia. Identifiers: Orphanet 84, MedGen C3150653, MONDO:0013248, OMIM 613390.
Breast-ovarian cancer, familial, susceptibility to, 3. Also called: RAD51C-Related Breast/Ovarian Cancer. Identifiers: Orphanet 145, MedGen C3150659, MONDO:0013253, OMIM 613399.

Allele frequency attached by ClinVar (database versions not stated): gnomAD exomes below 0.00001; TOPMed below 0.00001.
gnomAD v4.1: 1 of 1,614,202 alleles (0.000062%); highest among the groups gnomAD compares: Non-Finnish European, 0.000085%; no homozygotes.

Submissions (3):

Myriad Genetics, Inc.
Classification: Benign for Breast-ovarian cancer, familial, susceptibility to, 3. Last evaluated: 2025-02-18. Review status: criteria provided, single submitter. Criteria: Myriad Autosomal Dominant, Autosomal Recessive and X-Linked Classification Criteria (2023). Collection method: clinical testing. Allele origin: unknown.
Comment: This variant is considered benign. This variant is a silent/synonymous amino acid change and it is not expected to impact splicing.

Labcorp Genetics (formerly Invitae), Labcorp
Classification: Likely benign for Fanconi anemia complementation group O. Last evaluated: 2024-10-31. Review status: criteria provided, single submitter. Criteria: Invitae Variant Classification Sherloc (09022015). Collection method: clinical testing. Allele origin: germline.

Ambry Genetics
Classification: Likely benign for Hereditary cancer-predisposing syndrome. Last evaluated: 2022-03-07. Review status: criteria provided, single submitter. Criteria: Ambry Variant Classification Scheme 2023. Collection method: clinical testing. Allele origin: germline.